The following is an entry in ClinVar:

ClinVar aggregate classification (germline): Pathogenic (1 of 4 stars; one submission).

Conditions:
Cardiovascular phenotype. Identifiers: MedGen CN230736.

Submission:

Ambry Genetics
Classification: Pathogenic for Cardiovascular phenotype. Last evaluated: 2025-04-22. Review status: criteria provided, single submitter. Criteria: Ambry Variant Classification Scheme 2023. Collection method: clinical testing. Allele origin: germline.
Comment: The p.E312* pathogenic mutation (also known as c.934G>T), located in coding exon 5 of the RASA1 gene, results from a G to T substitution at nucleotide position 934. This changes the amino acid from a glutamic acid to a stop codon within coding exon 5. This variant is considered to be rare based on population cohorts in the Genome Aggregation Database (gnomAD). This alteration is expected to result in loss of function by premature protein truncation or nonsense-mediated mRNA decay. As such, this alteration is interpreted as a disease-causing mutation.

NM_002890.3(RASA1):c.934G>T (p.Glu312Ter)

Genes: CCNH (cyclin H; minus strand), RASA1 (RAS p21 protein activator 1; plus strand). Cytogenetic location: 5q14.3.
Variant type: single nucleotide variant.
Coding change: c.934G>T on transcript NM_002890.3 (MANE Select); coding-DNA position 934, G replaced by T.
Protein change: p.Glu312Ter; replaces glutamic acid 312 with a stop codon.
Molecular consequence: nonsense. On other transcripts: intron variant (1).
Genome position (GRCh38, 1-based): chr5:87,338,008, G>T. VCF-style: chr5-87338008-G-T. GRCh37 (hg19) VCF-style: chr5-86633825-G-T.
Other names: c.403G>T, p.Glu135Ter (NM_022650.3); c.934-25213C>A (NM_001364075.2); short protein forms E135*, E312*.
Identifiers: ClinVar variation 3942978 (VCV003942978.1).